The following is an entry in ClinVar:

ClinVar aggregate classification (germline): Conflicting classifications of pathogenicity. Review status: criteria provided, conflicting classifications (1 of 4 stars). 6 submissions from 6 submitters: Uncertain significance (5); Likely benign (1). Last evaluated 2025-10-07.

Conditions:
Congenital myopathy. Identifiers: Orphanet 97245, MedGen C0270960, MONDO:0019952.
TTN-related disorder. Also called: TTN-related condition; TTN-related disease; TTN-related disorders.
Cardiomyopathy (CMYO). Also called: Cardiomyopathies. Identifiers: Orphanet 167848, MedGen C0878544, MONDO:0004994, HP:0001638. Inheritance: Various modes of inheritance.

Allele frequency attached by ClinVar (database versions not stated): ExAC 0.00002; gnomAD exomes 0.00002 and 0.00011; gnomAD 0.00003; TOPMed 0.00003.

Submissions (6):

PreventionGenetics, part of Exact Sciences
Classification: Uncertain significance for TTN-related condition. Last evaluated: 2025-10-07. Review status: criteria provided, single submitter. Criteria: ACMG Guidelines, 2015. Collection method: clinical testing. Allele origin: germline.
Comment: The TTN c.34675A>G variant is predicted to result in the amino acid substitution p.Ile11559Val. To our knowledge, this variant has not been reported in the literature. This variant is reported in 0.0066% of alleles in individuals of European (Non-Finnish) descent in gnomAD. Although we suspect that this variant may be benign, at this time, the clinical significance of this variant is uncertain due to the absence of conclusive functional and genetic evidence.

Revvity Omics, Revvity
Classification: Uncertain significance. Last evaluated: 2025-02-04. Review status: criteria provided, single submitter. Criteria: ACMG Guidelines, 2015. Collection method: clinical testing. Allele origin: germline.

Cambridge Genomics Laboratory, East Genomic Laboratory Hub, NHS Genomic Medicine Service
Classification: Uncertain significance for Congenital myopathy. Last evaluated: 2020-03-05. Review status: criteria provided, single submitter. Criteria: ACGS Best Practice Guidelines for Variant Classification in Rare Disease 2020. Collection method: clinical testing. Allele origin: germline. Affected: yes. Observed: 1 variant allele.

Eurofins Ntd Llc (ga)
Classification: Uncertain significance. Last evaluated: 2018-03-29. Review status: criteria provided, single submitter. Criteria: EGL ClinVar v180209 classification definitions. Collection method: clinical testing. Allele origin: germline. Observed: 1 variant allele, 1 heterozygote.

GeneDx
Classification: Likely benign. Last evaluated: 2018-01-10. Review status: criteria provided, single submitter. Criteria: GeneDx Variant Classification (06012015). Collection method: clinical testing. Allele origin: germline. Affected: yes.
Comment: This variant is considered likely benign or benign based on one or more of the following criteria: it is a conservative change, it occurs at a poorly conserved position in the protein, it is predicted to be benign by multiple in silico algorithms, and/or has population frequency not consistent with disease.

CHEO Genetics Diagnostic Laboratory, Children's Hospital of Eastern Ontario
Classification: Uncertain significance for Cardiomyopathy. Last evaluated: 2015-12-01. Review status: criteria provided, single submitter. Criteria: ACMG Guidelines, 2015. Collection method: clinical testing. Allele origin: germline. Study: Canadian Open Genetics Repository.

NM_001267550.2(TTN):c.34675A>G (p.Ile11559Val)

Gene: TTN (titin; minus strand). Cytogenetic location: 2q31.2.
Variant type: single nucleotide variant.
Coding change: c.34675A>G on transcript NM_001267550.2 (MANE Select); coding-DNA position 34675, A replaced by G.
Protein change: p.Ile11559Val; replaces isoleucine 11559 with valine.
Molecular consequence: missense variant. On other transcripts: intron variant (3).
Genome position (GRCh38, 1-based): chr2:178,674,347, T>C on the plus strand (A>G on the coding strand, the complement: TTN is on the minus strand). VCF-style: chr2-178674347-T-C. GRCh37 (hg19) VCF-style: chr2-179539074-T-C.
Other names: c.33553A>G, p.Ile11185Val (NM_001256850.1); c.30772A>G, p.Ile10258Val (NM_133378.4); c.13283-32030A>G (NM_003319.4); c.13859-32030A>G (NM_133437.4); c.13658-32030A>G (NM_133432.3); short protein forms I11185V, I11559V, I10258V.
Identifiers: ClinVar variation 506718 (VCV000506718.12), dbSNP rs752903377, ClinGen allele CA1998012.